The following is an entry in ClinVar:

NM_000466.3(PEX1):c.3205C>T (p.Gln1069Ter)

Genes: PEX1 (peroxisomal biogenesis factor 1; minus strand), GATAD1 (GATA zinc finger domain containing 1; plus strand). Cytogenetic location: 7q21.2.
Variant type: single nucleotide variant.
Coding change: c.3205C>T on transcript NM_000466.3 (MANE Select); coding-DNA position 3205, C replaced by T.
Protein change: p.Gln1069Ter; replaces glutamine 1069 with a stop codon.
Molecular consequence: nonsense.
Genome position (GRCh38, 1-based): chr7:92,492,955, G>A on the plus strand (C>T on the coding strand, the complement: PEX1 is on the minus strand). VCF-style: chr7-92492955-G-A. GRCh37 (hg19) VCF-style: chr7-92122269-G-A.
Other names: c.3034C>T, p.Gln1012Ter (NM_001282677.2); c.2581C>T, p.Gln861Ter (NM_001282678.2); short protein forms Q1069*, Q1012*, Q861*.
Identifiers: ClinVar variation 561079 (VCV000561079.11), dbSNP rs1562846113, ClinGen allele CA368165801.

ClinVar aggregate classification (germline): Pathogenic. Review status: criteria provided, multiple submitters, no conflicts (2 of 4 stars). 3 submissions from 2 submitters: Pathogenic (3). Last evaluated 2023-08-04.

Conditions:
Heimler syndrome 1 (HMLR1). Also called: PEROXISOME BIOGENESIS DISORDER 1C. Identifiers: Orphanet 3220, MedGen C4551980, OMIM 234580, MONDO:0024544.
Zellweger spectrum disorders (ZS). Also called: Zellweger Spectrum Disorder (ZSD); Zellweger Spectrum Disorder; Zellweger Spectrum; Zellweger syndrome. Identifiers: Orphanet 912, MedGen C0043459, MONDO:0019609.
Peroxisome biogenesis disorder 1A (Zellweger) (PBD1A). Also called: Zellweger leukodystrophy; Peroxisome biogenesis disorder 1a. Identifiers: MedGen C4721541, MONDO:0008953, OMIM 214100.

Allele frequency attached by ClinVar (database versions not stated): gnomAD exomes below 0.00001.
gnomAD v4.1: 1 of 1,611,770 alleles (0.000062%); highest among the groups gnomAD compares: Non-Finnish European, 0.000085%; no homozygotes.

Submissions (3):

Baylor Genetics
Classification: Pathogenic for Heimler syndrome 1. Last evaluated: 2023-08-04. Review status: criteria provided, single submitter. Criteria: ACMG Guidelines, 2015. Collection method: clinical testing. Allele origin: unknown.

Labcorp Genetics (formerly Invitae), Labcorp
Classification: Pathogenic for Zellweger spectrum disorders. Last evaluated: 2020-01-19. Review status: criteria provided, single submitter. Criteria: Invitae Variant Classification Sherloc (09022015). Collection method: clinical testing. Allele origin: germline.
Comment: For these reasons, this variant has been classified as Pathogenic. Loss-of-function variants in PEX1 are known to be pathogenic (PMID: 9398847, 16086329, 16141001, 21031596). This variant has been observed in individual(s) with cerebral abnormalities (PMID: 29261186). ClinVar contains an entry for this variant (Variation ID: 561079). This variant is not present in population databases (ExAC no frequency). This sequence change creates a premature translational stop signal (p.Gln1069*) in the PEX1 gene. It is expected to result in an absent or disrupted protein product.

Baylor Genetics
Classification: Pathogenic for Peroxisome biogenesis disorder 1A (Zellweger). Last evaluated: 2017-09-01. Review status: criteria provided, single submitter. Criteria: ACMG Guidelines, 2015. Collection method: clinical testing. Allele origin: maternal. Inheritance: Autosomal recessive inheritance. Affected: yes.

Literature cited by the submitters: PubMed 9398847 (cited by Labcorp Genetics (formerly Invitae), Labcorp); PubMed 16086329 (cited by Labcorp Genetics (formerly Invitae), Labcorp); PubMed 16141001 (cited by Labcorp Genetics (formerly Invitae), Labcorp); PubMed 21031596 (cited by Labcorp Genetics (formerly Invitae), Labcorp); PubMed 29261186 (cited by Labcorp Genetics (formerly Invitae), Labcorp); PubMed 25326635 (cited by Baylor Genetics).